The following is an entry in ClinVar:

ClinVar aggregate classification (germline): Uncertain significance (1 of 4 stars; one submission).

Submission:

Labcorp Genetics (formerly Invitae), Labcorp
Classification: Uncertain significance. Last evaluated: 2025-04-17. Review status: criteria provided, single submitter. Criteria: Invitae Variant Classification Sherloc (09022015). Collection method: clinical testing. Allele origin: germline.
Comment: This sequence change replaces tyrosine, which is neutral and polar, with asparagine, which is neutral and polar, at codon 305 of the ADGRV1 protein (p.Tyr305Asn). This variant is not present in population databases (gnomAD no frequency). This variant has not been reported in the literature in individuals affected with ADGRV1-related conditions. Invitae Evidence Modeling of protein sequence and biophysical properties (such as structural, functional, and spatial information, amino acid conservation, physicochemical variation, residue mobility, and thermodynamic stability) has been performed for this missense variant. However, the output from this modeling did not meet the statistical confidence thresholds required to predict the impact of this variant on ADGRV1 protein function. In summary, the available evidence is currently insufficient to determine the role of this variant in disease. Therefore, it has been classified as a Variant of Uncertain Significance.

NM_032119.4(ADGRV1):c.913T>A (p.Tyr305Asn)

Gene: ADGRV1 (adhesion G protein-coupled receptor V1; plus strand). Cytogenetic location: 5q14.3.
Variant type: single nucleotide variant.
Coding change: c.913T>A on transcript NM_032119.4 (MANE Select); coding-DNA position 913, T replaced by A.
Protein change: p.Tyr305Asn; replaces tyrosine 305 with asparagine.
Molecular consequence: missense variant. On other transcripts: non-coding transcript variant (1).
Genome position (GRCh38, 1-based): chr5:90,627,451, T>A. VCF-style: chr5-90627451-T-A. GRCh37 (hg19) VCF-style: chr5-89923268-T-A.
Other names: short protein forms Y305N.
Identifiers: ClinVar variation 4712745 (VCV004712745.1).
Genomic context (GRCh38, chr5:90,627,451, plus strand): 5'-CGTGGAAAGGACAACAATGGAAATCTGATTGGATCTGATGAATATGAGGTTTCAATCAGT[T>A]ATGCTGTCACAACTGGGAATTCCACAGCACATGCCCAGCAAAATCTGGACTTCATTGATC-3'
Protein context (NP_115495.3, residues 295-315): GSDEYEVSIS[Tyr305Asn]AVTTGNSTAH